The following is an entry in ClinVar:

NM_206933.4(USH2A):c.4627G>A (p.Gly1543Ser)

Gene: USH2A (usherin; minus strand). Cytogenetic location: 1q41.
Variant type: single nucleotide variant.
Coding change: c.4627G>A on transcript NM_206933.4 (MANE Select); coding-DNA position 4627, G replaced by A.
Protein change: p.Gly1543Ser; replaces glycine 1543 with serine.
Molecular consequence: missense variant.
Genome position (GRCh38, 1-based): chr1:216,175,252, C>T on the plus strand (G>A on the coding strand, the complement: USH2A is on the minus strand). VCF-style: chr1-216175252-C-T. GRCh37 (hg19) VCF-style: chr1-216348594-C-T.
Other names: c.4627G>A, p.Gly1543Ser (NM_007123.6); short protein forms G1543S.
Identifiers: ClinVar variation 1383277 (VCV001383277.6), dbSNP rs2102640869, ClinGen allele CA344863495.

ClinVar aggregate classification (germline): Uncertain significance (1 of 4 stars; one submission).

Allele frequency attached by ClinVar (database versions not stated): gnomAD exomes below 0.00001.
gnomAD v4.1: 3 of 1,613,582 alleles (0.00019%); highest among the groups gnomAD compares: South Asian, 0.0011%; no homozygotes.

Submission:

Labcorp Genetics (formerly Invitae), Labcorp
Classification: Uncertain significance. Last evaluated: 2024-05-22. Review status: criteria provided, single submitter. Criteria: Invitae Variant Classification Sherloc (09022015). Collection method: clinical testing. Allele origin: germline.
Comment: This sequence change affects codon 1543 of the USH2A mRNA. It is a 'silent' change, meaning that it does not change the encoded amino acid sequence of the USH2A protein. This variant also falls at the last nucleotide of exon 21, which is part of the consensus splice site for this exon. This variant is not present in population databases (gnomAD no frequency). This variant has not been reported in the literature in individuals affected with USH2A-related conditions. ClinVar contains an entry for this variant (Variation ID: 1383277). An algorithm developed to predict the effect of missense changes on protein structure and function (PolyPhen-2) suggests that this variant is likely to be disruptive. Variants that disrupt the consensus splice site are a relatively common cause of aberrant splicing (PMID: 17576681, 9536098). Algorithms developed to predict the effect of sequence changes on RNA splicing suggest that this variant may disrupt the consensus splice site. In summary, the available evidence is currently insufficient to determine the role of this variant in disease. Therefore, it has been classified as a Variant of Uncertain Significance.

Literature cited by the submitters: PubMed 17576681; PubMed 9536098.